The following is an entry in ClinVar:

ClinVar aggregate classification (germline): Uncertain significance (1 of 4 stars; one submission).

Conditions:
Epidermolysis bullosa simplex 5B, with muscular dystrophy (EBS5B). Also called: EPIDERMOLYSIS BULLOSA SIMPLEX AND LIMB-GIRDLE MUSCULAR DYSTROPHY; Epidermolysis bullosa simplex with muscular dystrophy. Identifiers: Orphanet 257, MedGen C2931072, MONDO:0009181, OMIM 226670.
Epidermolysis bullosa simplex, Ogna type (EBS5A). Also called: Pidermolysis bullosa simplex 5A, Ogna type; EPIDERMOLYSIS BULLOSA SIMPLEX 5A, OGNA TYPE. Identifiers: Orphanet 79401, MedGen C0432317, MONDO:0007555, OMIM 131950.
Epidermolysis bullosa simplex 5C, with pyloric atresia (EBS5C). Also called: PLEC-Related Epidermolysis Bullosa with Pyloric Atresia; Epidermolysis bullosa simplex with pyloric atresia; PLEC1-Related Epidermolysis Bullosa with Pyloric Atresia. Identifiers: Orphanet 158684, MedGen C2677349, MONDO:0012807, OMIM 612138.
Autosomal recessive limb-girdle muscular dystrophy type 2Q (LGMDR17). Also called: MUSCULAR DYSTROPHY, LIMB-GIRDLE, AUTOSOMAL RECESSIVE 17. Identifiers: Orphanet 254361, MedGen C3150989, MONDO:0013390, OMIM 613723.
Epidermolysis bullosa simplex with nail dystrophy (EBS5D). Identifiers: MedGen C4225309, MONDO:0014661, OMIM 616487.

Allele frequency attached by ClinVar (database versions not stated): gnomAD exomes below 0.00001; TOPMed below 0.00001.
gnomAD v4.1: 1 of 1,613,582 alleles (0.000062%); highest among the groups gnomAD compares: Non-Finnish European, 0.000085%; no homozygotes.

Submission:

Labcorp Genetics (formerly Invitae), Labcorp
Classification: Uncertain significance for Autosomal recessive limb-girdle muscular dystrophy type 2Q; Epidermolysis bullosa simplex, Ogna type; Epidermolysis bullosa simplex with nail dystrophy; Epidermolysis bullosa simplex 5C, with pyloric atresia; Epidermolysis bullosa simplex 5B, with muscular dystrophy. Last evaluated: 2022-03-20. Review status: criteria provided, single submitter. Criteria: Invitae Variant Classification Sherloc (09022015). Collection method: clinical testing. Allele origin: germline.
Comment: This variant is not present in population databases (gnomAD no frequency). In summary, the available evidence is currently insufficient to determine the role of this variant in disease. Therefore, it has been classified as a Variant of Uncertain Significance. Algorithms developed to predict the effect of missense changes on protein structure and function (SIFT, PolyPhen-2, Align-GVGD) all suggest that this variant is likely to be disruptive. This variant has not been reported in the literature in individuals affected with PLEC-related conditions. This sequence change replaces glutamic acid, which is acidic and polar, with glycine, which is neutral and non-polar, at codon 4084 of the PLEC protein (p.Glu4084Gly).

NM_201384.3(PLEC):c.12170A>G (p.Glu4057Gly)

Gene: PLEC (plectin; minus strand). Cytogenetic location: 8q24.3.
Variant type: single nucleotide variant.
Coding change: c.12170A>G on transcript NM_201384.3 (MANE Select); coding-DNA position 12170, A replaced by G.
Protein change: p.Glu4057Gly; replaces glutamic acid 4057 with glycine.
Molecular consequence: missense variant.
Genome position (GRCh38, 1-based): chr8:143,917,651, T>C on the plus strand (A>G on the coding strand, the complement: PLEC is on the minus strand). VCF-style: chr8-143917651-T-C. GRCh37 (hg19) VCF-style: chr8-144991819-T-C.
Other names: c.12128A>G, p.Glu4043Gly (NM_201378.4); c.12104A>G, p.Glu4035Gly (NM_201379.3); c.12581A>G, p.Glu4194Gly (NM_201380.4); c.12074A>G, p.Glu4025Gly (NM_201381.3); c.12170A>G, p.Glu4057Gly (NM_201382.4); c.12182A>G, p.Glu4061Gly (NM_201383.3); c.12251A>G, p.Glu4084Gly (NM_000445.5); c.8870A>G, p.Glu2957Gly (NM_001410941.1); short protein forms E2957G, E4035G, E4057G, E4194G, E4043G, E4084G, E4025G, E4061G.
Identifiers: ClinVar variation 2051660 (VCV002051660.4), dbSNP rs1821008932, ClinGen allele CA372485536.
Genomic context (GRCh38, chr8:143,917,651, plus strand): 5'-TTCATCTCCTCATCGAAGAGGCCGCGCTTGTAGGCCACCTCCACGGGCAGCCGGTGGCTC[T>C]CCTCAGGGTCGATGATGCCGCCCGTGGCGATCTGGGCCTCCAGCAGGCGGATGCCATGGT-3'
Protein context (NP_958786.1, residues 4047-4067): IATGGIIDPE[Glu4057Gly]SHRLPVEVAY